The following is an entry in ClinVar:

ClinVar aggregate classification (germline): Pathogenic. Review status: reviewed by expert panel (3 of 4 stars). 9 submissions from 9 submitters: Pathogenic (1). 8 of the submissions do not count toward it. Last evaluated 2016-09-08.

Conditions:
Hereditary cancer-predisposing syndrome. Also called: Neoplastic Syndromes, Hereditary; Tumor predisposition; Hereditary neoplastic syndrome; Hereditary Cancer Syndrome. Identifiers: Orphanet 140162, MedGen C0027672, MeSH D009386, MONDO:0015356.
Hereditary breast ovarian cancer syndrome. Also called: Hereditary breast and ovarian cancer syndrome; Hereditary breast and ovarian cancer; Hereditary breast and ovarian cancer syndrome (HBOC); Breast and ovarian cancer; Hereditary breast and/or ovarian cancer syndrome; BRCA1- and BRCA2-Associated Hereditary Breast and Ovarian Cancer. Identifiers: Orphanet 145, MedGen C0677776, MeSH D061325, MONDO:0003582. Disease mechanism: loss of function.
Familial cancer of breast. Also called: BREAST CANCER, FAMILIAL; Hereditary breast cancer; hereditary breast carcinoma. Identifiers: Orphanet 227535, MedGen C0346153, MONDO:0016419, OMIM 114480. Disease mechanism: loss of function.
Breast-ovarian cancer, familial, susceptibility to, 2 (BROVCA2). Also called: BRCA2 Hereditary Breast and Ovarian Cancer. Identifiers: Orphanet 145, MedGen C2675520, MONDO:0012933, OMIM 612555. Disease mechanism: loss of function.

Submissions (9):

Evidence-based Network for the Interpretation of Germline Mutant Alleles (ENIGMA)
Classification: Pathogenic for Breast-ovarian cancer, familial, susceptibility to, 2. Last evaluated: 2016-09-08. Review status: reviewed by expert panel. Criteria: ENIGMA BRCA1/2 Classification Criteria (2015). Collection method: curation. Allele origin: germline.
Comment: Variant allele predicted to encode a truncated non-functional protein.

Labcorp Genetics (formerly Invitae), Labcorp
Classification: Pathogenic for Hereditary breast ovarian cancer syndrome. Last evaluated: 2025-08-15. Review status: criteria provided, single submitter. Criteria: Invitae Variant Classification Sherloc (09022015). Collection method: clinical testing. Allele origin: germline. Not counted in ClinVar's aggregate classification.
Comment: This sequence change creates a premature translational stop signal (p.Arg2418Serfs*2) in the BRCA2 gene. It is expected to result in an absent or disrupted protein product. Loss-of-function variants in BRCA2 are known to be pathogenic (PMID: 20104584). This variant is not present in population databases (gnomAD no frequency). This premature translational stop signal has been observed in individual(s) with breast cancer (PMID: 22034289). This variant is also known as 7482delAG. For these reasons, this variant has been classified as Pathogenic.

Ambry Genetics
Classification: Pathogenic for Hereditary cancer-predisposing syndrome. Last evaluated: 2025-05-22. Review status: criteria provided, single submitter. Criteria: Ambry Variant Classification Scheme 2023. Collection method: clinical testing. Allele origin: germline. Not counted in ClinVar's aggregate classification.
Comment: The c.7254_7255delAG pathogenic mutation, located in coding exon 13 of the BRCA2 gene, results from a deletion of two nucleotides at nucleotide positions 7254 to 7255, causing a translational frameshift with a predicted alternate stop codon (p.R2418Sfs*2). This alteration has been identified in individuals diagnosed with breast cancer (Fackenthal JD et al. Int J Cancer, 2012 Sep;131:1114-23; Yadav S et al. J Clin Oncol, 2020 05;38:1409-1418). In addition to the clinical data presented in the literature, this alteration is expected to result in loss of function by premature protein truncation or nonsense-mediated mRNA decay. As such, this alteration is interpreted as a disease-causing mutation.

Baylor Genetics
Classification: Pathogenic for Familial cancer of breast. Last evaluated: 2023-07-18. Review status: criteria provided, single submitter. Criteria: ACMG Guidelines, 2015. Collection method: clinical testing. Allele origin: unknown. Not counted in ClinVar's aggregate classification.

Color Diagnostics, LLC DBA Color Health
Classification: Pathogenic for Hereditary cancer-predisposing syndrome. Last evaluated: 2022-02-15. Review status: criteria provided, single submitter. Criteria: ACMG Guidelines, 2015. Collection method: clinical testing. Allele origin: germline. Not counted in ClinVar's aggregate classification.
Comment: This variant deletes 2 nucleotides in exon 14 of the BRCA2 gene, creating a frameshift and premature translation stop signal. This variant is expected to result in an absent or non-functional protein product. This variant has been reported in 5 individuals affected with breast cancer, including 1 individual with early-onset breast cancer and 1 individual with triple-negative breast cancer (PMID: 22034289, 31325073, 32125938, DOI: 10.24075/brsmu.2021.006). This variant has been identified in 1/31410 chromosomes in the general population by the Genome Aggregation Database (gnomAD). Loss of BRCA2 function is a known mechanism of disease. Based on the available evidence, this variant is classified as Pathogenic.

Quest Diagnostics Nichols Institute San Juan Capistrano
Classification: Pathogenic. Last evaluated: 2020-08-02. Review status: criteria provided, single submitter. Criteria: Quest Diagnostics criteria. Collection method: clinical testing. Allele origin: unknown. Not counted in ClinVar's aggregate classification.
Comment: The variant results in a shift of the reading frame, and is therefore predicted to result in the loss of a functional protein. Found in at least one patient with expected phenotype for this gene, and found in general population data at a frequency that is consistent with pathogenicity.

GeneDx
Classification: Pathogenic. Last evaluated: 2016-07-19. Review status: criteria provided, single submitter. Criteria: GeneDx Variant Classification (06012015). Collection method: clinical testing. Allele origin: germline. Affected: yes. Not counted in ClinVar's aggregate classification.
Comment: This deletion of 2 nucleotides in BRCA2 is denoted c.7254_7255delAG at the cDNA level and p.Arg2418SerfsX2 (R2418SfsX2) at the protein level. Using alternate nomenclature, this variant has been reported as BRCA2 7482delAG. The normal sequence, with the bases that are deleted in braces, is ACAG[AG]TTGA. The deletion causes a frameshift, which changes an Arginine to a Serine at codon 2418, and creates a premature stop codon at position 2 of the new reading frame. This variant is predicted to cause loss of normal protein function through either protein truncation or nonsense-mediated mRNA decay. We consider this variant to be pathogenic.

Consortium of Investigators of Modifiers of BRCA1/2 (CIMBA), c/o University of Cambridge
Classification: Pathogenic for Breast-ovarian cancer, familial, susceptibility to, 2. Last evaluated: 2015-10-02. Review status: criteria provided, single submitter. Criteria: CIMBA Mutation Classification guidelines May 2016. Collection method: clinical testing. Allele origin: germline. Not counted in ClinVar's aggregate classification.

Breast Cancer Information Core (BIC) (BRCA2)
Classification: Pathogenic for Breast-ovarian cancer, familial 2. Last evaluated: 1999-06-22. Review status: no assertion criteria provided. Collection method: clinical testing. Allele origin: germline. Affected: yes. Observed: 2 variant alleles. Not counted in ClinVar's aggregate classification.

Literature cited by the submitters: PubMed 20104584 (cited by Labcorp Genetics (formerly Invitae), Labcorp); PubMed 22034289 (cited by 4 submitters); PubMed 32125938 (cited by Ambry Genetics and Color Diagnostics, LLC DBA Color Health); PubMed 31325073 (cited by Color Diagnostics, LLC DBA Color Health).

NM_000059.4(BRCA2):c.7254_7255del (p.Arg2418fs)

Gene: BRCA2 (BRCA2 DNA repair associated; plus strand). Cytogenetic location: 13q13.1.
Variant type: Microsatellite.
Coding change: c.7254_7255del on transcript NM_000059.4 (MANE Select); coding-DNA positions 7254 to 7255, 2 bases deleted (AG; older notation c.7254_7255delAG).
Protein change: p.Arg2418fs; shifts the reading frame from arginine 2418.
Molecular consequence: frameshift variant.
Genome position (GRCh38, 1-based): chr13:32,355,107-32,355,108, AG deleted; deleting any 2 consecutive bases within chr13:32,355,105-32,355,108 gives the same sequence; the c. name uses the placement nearest the transcript's 3' end. VCF-style (leftmost placement, unchanged base first): chr13-32355104-CAG-C. GRCh37 (hg19) VCF-style: chr13-32929241-CAG-C.
Other names: 7482delAG; c.7254_7255delAG (NM_000059.3); short protein forms R2418fs.
Identifiers: ClinVar variation 52300 (VCV000052300.27), dbSNP rs80359644, ClinGen allele CA025000.